The following is an entry in ClinVar:

ClinVar aggregate classification (germline): Pathogenic/Likely pathogenic. Review status: criteria provided, multiple submitters, no conflicts (2 of 4 stars). 3 submissions from 3 submitters: Pathogenic (1); Likely pathogenic (2). Last evaluated 2025-09-02.

Conditions:
Baraitser-winter syndrome 2. Identifiers: Orphanet 2995, MedGen C3281235, MONDO:0013812, OMIM 614583.
Autosomal dominant nonsyndromic hearing loss 20. Identifiers: Orphanet 90635, MedGen C1858172, MONDO:0011480, OMIM 604717.

Submissions (3):

Labcorp Genetics (formerly Invitae), Labcorp
Classification: Pathogenic for Baraitser-winter syndrome 2; Autosomal dominant nonsyndromic hearing loss 20. Last evaluated: 2025-09-02. Review status: criteria provided, single submitter. Criteria: Invitae Variant Classification Sherloc (09022015). Collection method: clinical testing. Allele origin: germline.
Comment: This sequence change replaces arginine, which is basic and polar, with tryptophan, which is neutral and slightly polar, at codon 183 of the ACTG1 protein (p.Arg183Trp). This variant is not present in population databases (gnomAD no frequency). This missense change has been observed in individual(s) with deafness (internal data). In at least one individual the variant was observed to be de novo. ClinVar contains an entry for this variant (Variation ID: 808333). Invitae Evidence Modeling of protein sequence and biophysical properties (such as structural, functional, and spatial information, amino acid conservation, physicochemical variation, residue mobility, and thermodynamic stability) indicates that this missense variant is not expected to disrupt ACTG1 protein function with a negative predictive value of 80%. This variant disrupts the p.Arg183 amino acid residue in ACTG1. Other variant(s) that disrupt this residue have been determined to be pathogenic (PMID: 29986705, 30622556). This suggests that this residue is clinically significant, and that variants that disrupt this residue are likely to be disease-causing. For these reasons, this variant has been classified as Pathogenic.

CeGaT Center for Human Genetics Tuebingen
Classification: Likely pathogenic. Last evaluated: 2021-09-01. Review status: criteria provided, single submitter. Criteria: CeGaT Center For Human Genetics Tuebingen Variant Classification Criteria Version 2. Collection method: clinical testing. Allele origin: germline. Affected: yes. Observed: 2 variant alleles.

Juno Genomics, Hangzhou Juno Genomics, Inc
Classification: Likely pathogenic for Baraitser-winter syndrome 2; Autosomal dominant nonsyndromic hearing loss 20. Review status: criteria provided, single submitter. Criteria: ACMG Guidelines, 2015. Collection method: clinical testing. Allele origin: germline. Affected: yes.
Comment: Absent from controls (or at extremely low frequency if recessive) in Genome Aggregation Database.;Multiple lines of computational evidence support a deleterious effect on the gene or gene product.;Missense variant in a gene that has a low rate of benign missense variation.;The prevalence of the variant in affected individuals is significantly increased compared to the prevalence in controls.;Novel missense change at an amino acid residue where a different missense change determined to be pathogenic has been seen before.

Literature cited by the submitters: PubMed 29986705 (cited by Labcorp Genetics (formerly Invitae), Labcorp); PubMed 30622556 (cited by Labcorp Genetics (formerly Invitae), Labcorp).

NM_001614.5(ACTG1):c.547C>T (p.Arg183Trp)

Gene: ACTG1 (actin gamma 1; minus strand). Cytogenetic location: 17q25.3.
Variant type: single nucleotide variant.
Coding change: c.547C>T on transcript NM_001614.5 (MANE Select); coding-DNA position 547, C replaced by T.
Protein change: p.Arg183Trp; replaces arginine 183 with tryptophan.
Molecular consequence: missense variant. On other transcripts: non-coding transcript variant (1).
Genome position (GRCh38, 1-based): chr17:81,511,443, G>A on the plus strand (C>T on the coding strand, the complement: ACTG1 is on the minus strand). VCF-style: chr17-81511443-G-A. GRCh37 (hg19) VCF-style: chr17-79478469-G-A.
Other names: c.547C>T, p.Arg183Trp (NM_001199954.3); short protein forms R183W.
Identifiers: ClinVar variation 808333 (VCV000808333.47), dbSNP rs1362994447, ClinGen allele CA401460747.